The following is an entry in ClinVar:

ClinVar aggregate classification (germline): Likely pathogenic (1 of 4 stars; one submission).

Conditions:
Spastic paraplegia. Identifiers: MedGen C0037772, HP:0001258.

Submission:

Labcorp Genetics (formerly Invitae), Labcorp
Classification: Likely pathogenic for Spastic paraplegia. Last evaluated: 2019-11-12. Review status: criteria provided, single submitter. Criteria: Invitae Variant Classification Sherloc (09022015). Collection method: clinical testing. Allele origin: germline.
Comment: This variant is not present in population databases (ExAC no frequency). This sequence change affects an acceptor splice site in intron 4 of the L1CAM gene. It is expected to disrupt RNA splicing and likely results in an absent or disrupted protein product. In summary, the currently available evidence indicates that the variant is pathogenic, but additional data are needed to prove that conclusively. Therefore, this variant has been classified as Likely Pathogenic. Donor and acceptor splice site variants typically lead to a loss of protein function (PMID: 16199547), and loss-of-function variants in L1CAM are known to be pathogenic (PMID: 19846429). This variant has been observed in individual(s) with clinical features of X-linked L1 syndrome (Invitae).

Literature cited by the submitters: PubMed 16199547; PubMed 19846429.

NM_001278116.2(L1CAM):c.401-1G>A

Gene: L1CAM (L1 cell adhesion molecule; minus strand). Cytogenetic location: Xq28.
Variant type: single nucleotide variant.
Coding change: c.401-1G>A on transcript NM_001278116.2 (MANE Select); the canonical splice acceptor site of the intron before coding-DNA position 401, G replaced by A.
Molecular consequence: splice acceptor variant.
Genome position (GRCh38, 1-based): chrX:153,871,180, C>T on the plus strand (G>A on the coding strand, the complement: L1CAM is on the minus strand). VCF-style: chrX-153871180-C-T. GRCh37 (hg19) VCF-style: chrX-153136635-C-T.
Other names: c.386-1G>A (NM_001143963.2); c.401-1G>A (NM_024003.3, NM_000425.5).
Identifiers: ClinVar variation 955934 (VCV000955934.10), dbSNP rs2064766332, ClinGen allele CA415137121.